The following is an entry in ClinVar:

ClinVar aggregate classification (germline): Uncertain significance. Review status: criteria provided, multiple submitters, no conflicts (2 of 4 stars). 2 submissions from 2 submitters: Uncertain significance (2). Last evaluated 2025-08-01.

Conditions:
RYR1-related disorder. Also called: RYR1-related condition; RYR1-related disorders. Identifiers: MedGen CN239331.
Malignant hyperthermia, susceptibility to, 1 (MHS1). Also called: Anesthesia related hyperthermia; Malignant hyperpyrexia; Fulminating hyperpyrexia; Pharmacogenic myopathy; RYR1-Related Malignant Hyperthermia Susceptibility; Malignant hyperthermia suceptibility 1. Identifiers: Orphanet 423, MedGen C2930980, MONDO:0007783, OMIM 145600.

Submissions (2):

Labcorp Genetics (formerly Invitae), Labcorp
Classification: Uncertain significance for RYR1-related disorder. Last evaluated: 2025-08-01. Review status: criteria provided, single submitter. Criteria: Invitae Variant Classification Sherloc (09022015). Collection method: clinical testing. Allele origin: germline.
Comment: This sequence change replaces proline, which is neutral and non-polar, with leucine, which is neutral and non-polar, at codon 695 of the RYR1 protein (p.Pro695Leu). This variant is not present in population databases (gnomAD no frequency). This variant has not been reported in the literature in individuals affected with RYR1-related conditions. ClinVar contains an entry for this variant (Variation ID: 3071122). Invitae Evidence Modeling of protein sequence and biophysical properties (such as structural, functional, and spatial information, amino acid conservation, physicochemical variation, residue mobility, and thermodynamic stability) has been performed for this missense variant. However, the output from this modeling did not meet the statistical confidence thresholds required to predict the impact of this variant on RYR1 protein function. In summary, the available evidence is currently insufficient to determine the role of this variant in disease. Therefore, it has been classified as a Variant of Uncertain Significance.

All of Us Research Program, National Institutes of Health
Classification: Uncertain significance for Malignant hyperthermia, susceptibility to, 1. Last evaluated: 2023-05-16. Review status: criteria provided, single submitter. Criteria: ACMG Guidelines, 2015. Collection method: clinical testing. Allele origin: germline. Inheritance: Autosomal dominant inheritance. Observed: 1 variant allele, 1 heterozygote.
Comment: This missense variant replaces proline with leucine at codon 695 of the RYR1 protein. Computational prediction is inconclusive regarding the impact of this variant on protein structure and function (internally defined REVEL score threshold 0.5 < inconclusive < 0.7, PMID: 27666373). To our knowledge, functional studies have not been reported for this variant. This variant has not been reported in individuals affected with RYR1-related disorders in the literature. This variant has not been identified in the general population by the Genome Aggregation Database (gnomAD). The available evidence is insufficient to determine the role of this variant in disease conclusively. Therefore, this variant is classified as a Variant of Uncertain Significance.

This study involves interpretation of variants in research participants for the purpose of population health screening. Participant phenotype was not available at the time of variant classification. Additional details can be found in publication PMID: 35346344, PMCID: PMC8962531

NM_000540.3(RYR1):c.2084C>T (p.Pro695Leu)

Gene: RYR1 (ryanodine receptor 1; plus strand). Cytogenetic location: 19q13.2.
Variant type: single nucleotide variant.
Coding change: c.2084C>T on transcript NM_000540.3 (MANE Select); coding-DNA position 2084, C replaced by T.
Protein change: p.Pro695Leu; replaces proline 695 with leucine.
Molecular consequence: missense variant.
Genome position (GRCh38, 1-based): chr19:38,458,209, C>T. VCF-style: chr19-38458209-C-T. GRCh37 (hg19) VCF-style: chr19-38948849-C-T.
Other names: c.2084C>T, p.Pro695Leu (NM_001042723.2); short protein forms P695L.
Identifiers: ClinVar variation 3071122 (VCV003071122.2), dbSNP rs756620310, ClinGen allele CA405697101.